The following is an entry in ClinVar:

ClinVar aggregate classification (germline): Uncertain significance (1 of 4 stars; one submission).

Conditions:
Hereditary cancer-predisposing syndrome. Also called: Tumor predisposition; Neoplastic Syndromes, Hereditary; Hereditary neoplastic syndrome; Hereditary Cancer Syndrome. Identifiers: Orphanet 140162, MedGen C0027672, MeSH D009386, MONDO:0015356.

Submission:

Ambry Genetics
Classification: Uncertain significance for Hereditary cancer-predisposing syndrome. Last evaluated: 2024-09-01. Review status: criteria provided, single submitter. Criteria: Ambry Variant Classification Scheme 2023. Collection method: clinical testing. Allele origin: germline.
Comment: The p.E461V variant (also known as c.1382A>T), located in coding exon 12 of the SUFU gene, results from an A to T substitution at nucleotide position 1382. The glutamic acid at codon 461 is replaced by valine, an amino acid with dissimilar properties. This amino acid position is conserved. In addition, the in silico prediction for this alteration is inconclusive. Based on the available evidence, the clinical significance of this variant remains unclear.

NM_016169.4(SUFU):c.1382A>T (p.Glu461Val)

Gene: SUFU (SUFU negative regulator of hedgehog signaling; plus strand). Cytogenetic location: 10q24.32.
Variant type: single nucleotide variant.
Coding change: c.1382A>T on transcript NM_016169.4 (MANE Select); coding-DNA position 1382, A replaced by T.
Protein change: p.Glu461Val; replaces glutamic acid 461 with valine.
Molecular consequence: missense variant.
Genome position (GRCh38, 1-based): chr10:102,630,082, A>T. VCF-style: chr10-102630082-A-T. GRCh37 (hg19) VCF-style: chr10-104389839-A-T.
Other names: short protein forms E461V.
Identifiers: ClinVar variation 3451128 (VCV003451128.1).